The following is an entry in ClinVar:

NM_005732.4(RAD50):c.2713A>T (p.Ile905Leu)

Gene: RAD50 (RAD50 double strand break repair protein; plus strand). Cytogenetic location: 5q31.1.
Variant type: single nucleotide variant.
Coding change: c.2713A>T on transcript NM_005732.4 (MANE Select); coding-DNA position 2713, A replaced by T.
Protein change: p.Ile905Leu; replaces isoleucine 905 with leucine.
Molecular consequence: missense variant.
Genome position (GRCh38, 1-based): chr5:132,604,994, A>T. VCF-style: chr5-132604994-A-T. GRCh37 (hg19) VCF-style: chr5-131940686-A-T.
Other names: short protein forms I905L.
Identifiers: ClinVar variation 3312322 (VCV003312322.1).

ClinVar aggregate classification (germline): Uncertain significance (1 of 4 stars; one submission).

Conditions:
Hereditary cancer-predisposing syndrome. Also called: Neoplastic Syndromes, Hereditary; Tumor predisposition; Hereditary neoplastic syndrome; Hereditary Cancer Syndrome. Identifiers: Orphanet 140162, MedGen C0027672, MeSH D009386, MONDO:0015356.

Submission:

Ambry Genetics
Classification: Uncertain significance for Hereditary cancer-predisposing syndrome. Last evaluated: 2024-04-30. Review status: criteria provided, single submitter. Criteria: Ambry Variant Classification Scheme 2023. Collection method: clinical testing. Allele origin: germline.
Comment: The p.I905L variant (also known as c.2713A>T), located in coding exon 16 of the RAD50 gene, results from an A to T substitution at nucleotide position 2713. The isoleucine at codon 905 is replaced by leucine, an amino acid with highly similar properties. This amino acid position is conserved. In addition, the in silico prediction for this alteration is inconclusive. Based on the available evidence, the clinical significance of this variant remains unclear.